The following is an entry in ClinVar:

NM_001142864.4(PIEZO1):c.7431C>A (p.Ile2477=)

Gene: PIEZO1 (piezo type mechanosensitive ion channel component 1 (Er blood group); minus strand). Cytogenetic location: 16q24.3.
Variant type: single nucleotide variant.
Coding change: c.7431C>A on transcript NM_001142864.4 (MANE Select); coding-DNA position 7431, C replaced by A.
Protein change: p.Ile2477=; no amino-acid change (isoleucine 2477 retained).
Molecular consequence: synonymous variant.
Genome position (GRCh38, 1-based): chr16:88,715,740, G>T on the plus strand (C>A on the coding strand, the complement: PIEZO1 is on the minus strand). VCF-style: chr16-88715740-G-T. GRCh37 (hg19) VCF-style: chr16-88782148-G-T.
Other names: c.5973C>A, p.Ile1991= (NM_014745.1).
Identifiers: ClinVar variation 3234563 (VCV003234563.20), dbSNP rs772748505, ClinGen allele CA397070977.

ClinVar aggregate classification (germline): Uncertain significance (1 of 4 stars; one submission).

gnomAD v4.1: 3 of 1,550,374 alleles (0.00019%); highest among the groups gnomAD compares: Non-Finnish European, 0.00026%; no homozygotes.

Submission:

CeGaT Center for Human Genetics Tuebingen
Classification: Uncertain significance. Last evaluated: 2024-04-01. Review status: criteria provided, single submitter. Criteria: CeGaT Center For Human Genetics Tuebingen Variant Classification Criteria Version 2. Collection method: clinical testing. Allele origin: germline. Affected: yes. Observed: 1 variant allele.
Comment: PIEZO1: PM2:Supporting, BP4